The following is an entry in ClinVar:

ClinVar aggregate classification (germline): Pathogenic (1 of 4 stars; one submission).

Conditions:
Cleidocranial dysostosis (CLCD1). Also called: cleidocranial dysplasia 1; Cleidocranial Dysplasia Spectrum Disorder; Marie-Sainton disease. Identifiers: Orphanet 1452, MedGen C0008928, MONDO:0007340, OMIM 119600.

Submission:

Seattle Children's Hospital Molecular Genetics Laboratory, Seattle Children's Hospital
Classification: Pathogenic for Cleidocranial dysostosis. Last evaluated: 2021-06-01. Review status: criteria provided, single submitter. Criteria: ACMG Guidelines, 2015. Collection method: clinical testing. Allele origin: germline. Affected: yes.
Comment: The deletion of 5 nucleotides causes a translational frameshift and is expected to cause a loss of protein function. While this particular frameshift variant has not been reported before, other frameshifts in this region have been reported in the medical literature as pathogenic (PMID: 20648631, PMID: 23348269, PMID: 28173761 and others).

NM_001024630.4(RUNX2):c.407_411del (p.Leu136fs)

Gene: RUNX2 (RUNX family transcription factor 2; plus strand). Cytogenetic location: 6p21.1.
Variant type: Deletion.
Coding change: c.407_411del on transcript NM_001024630.4 (MANE Select); coding-DNA positions 407 to 411, 5 bases deleted (TGCCC; older notation c.407_411delTGCCC).
Protein change: p.Leu136fs; shifts the reading frame from leucine 136.
Molecular consequence: frameshift variant.
Genome position (GRCh38, 1-based): chr6:45,422,941-45,422,945, TGCCC deleted; deleting any 5 consecutive bases within chr6:45,422,938-45,422,945 gives the same sequence; the c. name uses the placement nearest the transcript's 3' end. VCF-style (leftmost placement, unchanged base first): chr6-45422937-ACCCTG-A. GRCh37 (hg19) VCF-style: chr6-45390674-ACCCTG-A.
Other names: c.407_411del, p.Leu136fs (NM_001015051.4); c.365_369del, p.Leu122fs (NM_001278478.2, NM_001369405.1); short protein forms L122fs, L136fs.
Identifiers: ClinVar variation 1691336 (VCV001691336.2), dbSNP rs2150362655, ClinGen allele CA2573140918.